The following is an entry in ClinVar:

ClinVar aggregate classification (germline): Uncertain significance (1 of 4 stars; one submission).

Conditions:
Dyskeratosis congenita. Identifiers: Orphanet 1775, MedGen C0265965, MONDO:0015780.

Allele frequency attached by ClinVar (database versions not stated): gnomAD exomes below 0.00001 and 0.00001; ExAC 0.00001; TOPMed 0.00001; gnomAD 0.00002.

Submission:

Labcorp Genetics (formerly Invitae), Labcorp
Classification: Uncertain significance for Dyskeratosis congenita. Last evaluated: 2025-01-27. Review status: criteria provided, single submitter. Criteria: Invitae Variant Classification Sherloc (09022015). Collection method: clinical testing. Allele origin: germline.
Comment: This sequence change replaces isoleucine, which is neutral and non-polar, with valine, which is neutral and non-polar, at codon 1003 of the CTC1 protein (p.Ile1003Val). This variant is present in population databases (rs758498343, gnomAD 0.02%). This variant has not been reported in the literature in individuals affected with CTC1-related conditions. ClinVar contains an entry for this variant (Variation ID: 1401687). Invitae Evidence Modeling of protein sequence and biophysical properties (such as structural, functional, and spatial information, amino acid conservation, physicochemical variation, residue mobility, and thermodynamic stability) indicates that this missense variant is not expected to disrupt CTC1 protein function with a negative predictive value of 80%. In summary, the available evidence is currently insufficient to determine the role of this variant in disease. Therefore, it has been classified as a Variant of Uncertain Significance.

NM_025099.6(CTC1):c.3007A>G (p.Ile1003Val)

Gene: CTC1 (CST telomere replication complex component 1; minus strand). Cytogenetic location: 17p13.1.
Variant type: single nucleotide variant.
Coding change: c.3007A>G on transcript NM_025099.6 (MANE Select); coding-DNA position 3007, A replaced by G.
Protein change: p.Ile1003Val; replaces isoleucine 1003 with valine.
Molecular consequence: missense variant. On other transcripts: non-coding transcript variant (1).
Genome position (GRCh38, 1-based): chr17:8,229,895, T>C on the plus strand (A>G on the coding strand, the complement: CTC1 is on the minus strand). VCF-style: chr17-8229895-T-C. GRCh37 (hg19) VCF-style: chr17-8133213-T-C.
Other names: short protein forms I1003V.
Identifiers: ClinVar variation 1401687 (VCV001401687.7), dbSNP rs758498343, ClinGen allele CA8371922.
Genomic context (GRCh38, chr17:8,229,895, plus strand): 5'-GTGGGAGATGCAGATGTGAAGCCAGGAAGTTTAGGGGTTGGGGTCTGGGCACTGACCTGA[T>C]GGTGGTCTCAGGGGGAAAACTCAGGACCTGCACATAAGTGGATGACCGGAAACAACAATA-3'
Protein context (NP_079375.3, residues 993-1013): QVLSFPPETT[Ile1003Val]SIPLPHIYLA